The following is an entry in ClinVar:

NM_000444.6(PHEX):c.914T>G (p.Leu305Arg)

Gene: PHEX (phosphate regulating endopeptidase X-linked; plus strand). Cytogenetic location: Xp22.11.
Variant type: single nucleotide variant.
Coding change: c.914T>G on transcript NM_000444.6 (MANE Select); coding-DNA position 914, T replaced by G.
Protein change: p.Leu305Arg; replaces leucine 305 with arginine.
Molecular consequence: missense variant.
Genome position (GRCh38, 1-based): chrX:22,097,019, T>G. VCF-style: chrX-22097019-T-G. GRCh37 (hg19) VCF-style: chrX-22115137-T-G.
Other names: c.914T>G, p.Leu305Arg (NM_001282754.2); short protein forms L305R.
Identifiers: ClinVar variation 424357 (VCV000424357.6), dbSNP rs1064796929, ClinGen allele CA16621317.

ClinVar aggregate classification (germline): Conflicting classifications of pathogenicity. Review status: criteria provided, conflicting classifications (1 of 4 stars). 3 submissions from 3 submitters: Likely pathogenic (2); Uncertain significance (1). Last evaluated 2023-03-30.

Conditions:
PHEX-related disorder. Also called: PHEX-related condition.

Submissions (3):

Labcorp Genetics (formerly Invitae), Labcorp
Classification: Likely pathogenic. Last evaluated: 2023-03-30. Review status: criteria provided, single submitter. Criteria: Invitae Variant Classification Sherloc (09022015). Collection method: clinical testing. Allele origin: germline.
Comment: In summary, the currently available evidence indicates that the variant is pathogenic, but additional data are needed to prove that conclusively. Therefore, this variant has been classified as Likely Pathogenic. This variant disrupts the p.Leu305 amino acid residue in PHEX. Other variant(s) that disrupt this residue have been determined to be pathogenic (PMID: 18775977). This suggests that this residue is clinically significant, and that variants that disrupt this residue are likely to be disease-causing. Advanced modeling of protein sequence and biophysical properties (such as structural, functional, and spatial information, amino acid conservation, physicochemical variation, residue mobility, and thermodynamic stability) performed at Invitae indicates that this missense variant is expected to disrupt PHEX protein function. ClinVar contains an entry for this variant (Variation ID: 424357). This missense change has been observed in individual(s) with hypophosphatemic rickets (Invitae). This variant is not present in population databases (gnomAD no frequency). This sequence change replaces leucine, which is neutral and non-polar, with arginine, which is basic and polar, at codon 305 of the PHEX protein (p.Leu305Arg).

Blueprint Genetics
Classification: Likely pathogenic for PHEX-related disorders. Last evaluated: 2019-09-13. Review status: criteria provided, single submitter. Criteria: ACMG Guidelines, 2015. Collection method: clinical testing. Allele origin: germline. Affected: yes. Observed: 1 variant allele.

GeneDx
Classification: Uncertain significance. Last evaluated: 2017-03-13. Review status: criteria provided, single submitter. Criteria: GeneDx Variant Classification (06012015). Collection method: clinical testing. Allele origin: germline. Affected: yes.
Comment: To our knowledge, the L305R variant has not been published as a pathogenic variant, nor has it been reported as a benign variant. The L305R variant is not observed in large population cohorts (Lek et al., 2016; 1000 Genomes Consortium et al., 2015; Exome Variant Server). It is a non-conservative amino acid substitution, which is likely to impact secondary protein structure as these residues differ in polarity, charge, size and/or other properties. This substitution occurs at a position that is conserved across species and in silico analysis predicts this variant is probably damaging to the protein structure/function. In addition, a different missense change at the same codon (L305P) has been reported in a patient with hypophosphatemic rickets (Raeder et al., 2008). However, no other missense variants in nearby residues have been reported in the Human Gene Mutation Database (Stenson et al., 2014). In summary, based on the currently available information, it is unclear whether this variant is a pathogenic variant or a rare benign variant.

Literature cited by the submitters: PubMed 18775977 (cited by Labcorp Genetics (formerly Invitae), Labcorp).